The following is an entry in ClinVar:

NM_005506.4(SCARB2):c.1339G>C (p.Val447Leu)

Gene: SCARB2 (scavenger receptor class B member 2; minus strand). Cytogenetic location: 4q21.1.
Variant type: single nucleotide variant.
Coding change: c.1339G>C on transcript NM_005506.4 (MANE Select); coding-DNA position 1339, G replaced by C.
Protein change: p.Val447Leu; replaces valine 447 with leucine.
Molecular consequence: missense variant.
Genome position (GRCh38, 1-based): chr4:76,163,284, C>G on the plus strand (G>C on the coding strand, the complement: SCARB2 is on the minus strand). VCF-style: chr4-76163284-C-G. GRCh37 (hg19) VCF-style: chr4-77084437-C-G.
Other names: c.910G>C, p.Val304Leu (NM_001204255.2); short protein forms V447L, V304L.
Identifiers: ClinVar variation 955492 (VCV000955492.5), dbSNP rs1350213956, ClinGen allele CA357313391.

ClinVar aggregate classification (germline): Uncertain significance (1 of 4 stars; one submission).

Conditions:
Progressive myoclonic epilepsy. Also called: Progressive myoclonus epilepsy; Familial progressive myoclonic epilepsy; Myoclonic Epilepsies, Progressive; Myoclonus epilepsy. Identifiers: Orphanet 308, Orphanet 98261, MedGen C0751778, MONDO:0020074.

Allele frequency attached by ClinVar (database versions not stated): gnomAD exomes below 0.00001; gnomAD 0.00001; TOPMed 0.00003.
gnomAD v4.1: 7 of 1,614,078 alleles (0.00043%); highest among the groups gnomAD compares: Non-Finnish European, 0.00059%; no homozygotes.

Submission:

Labcorp Genetics (formerly Invitae), Labcorp
Classification: Uncertain significance for Progressive myoclonic epilepsy. Last evaluated: 2022-07-06. Review status: criteria provided, single submitter. Criteria: Invitae Variant Classification Sherloc (09022015). Collection method: clinical testing. Allele origin: germline.
Comment: This sequence change replaces valine, which is neutral and non-polar, with leucine, which is neutral and non-polar, at codon 447 of the SCARB2 protein (p.Val447Leu). This variant is not present in population databases (gnomAD no frequency). This variant has not been reported in the literature in individuals affected with SCARB2-related conditions. ClinVar contains an entry for this variant (Variation ID: 955492). Algorithms developed to predict the effect of missense changes on protein structure and function (SIFT, PolyPhen-2, Align-GVGD) all suggest that this variant is likely to be tolerated. Algorithms developed to predict the effect of sequence changes on RNA splicing suggest that this variant may disrupt the consensus splice site. In summary, the available evidence is currently insufficient to determine the role of this variant in disease. Therefore, it has been classified as a Variant of Uncertain Significance.